The following is an entry in ClinVar:

NM_021098.3(CACNA1H):c.4393A>G (p.Arg1465Gly)

Gene: CACNA1H (calcium voltage-gated channel subunit alpha1 H; plus strand). Cytogenetic location: 16p13.3.
Variant type: single nucleotide variant.
Coding change: c.4393A>G on transcript NM_021098.3 (MANE Select); coding-DNA position 4393, A replaced by G.
Protein change: p.Arg1465Gly; replaces arginine 1465 with glycine.
Molecular consequence: missense variant.
Genome position (GRCh38, 1-based): chr16:1,211,523, A>G. VCF-style: chr16-1211523-A-G. GRCh37 (hg19) VCF-style: chr16-1261523-A-G.
Other names: c.4393A>G, p.Arg1465Gly (NM_001005407.2); short protein forms R1465G.
Identifiers: ClinVar variation 2939642 (VCV002939642.3), dbSNP rs762072176, ClinGen allele CA7801320.

ClinVar aggregate classification (germline): Uncertain significance (1 of 4 stars; one submission).

Conditions:
Hyperaldosteronism, familial, type IV (HALD4). Also called: FH IV; ALDOSTERONISM, PRIMARY, AND HYPERTENSION. Identifiers: Orphanet 642671, MedGen C4310756, MONDO:0014875, OMIM 617027.
Idiopathic generalized epilepsy. Also called: EIG; Generalised epilepsy. Identifiers: MedGen C0270850, MONDO:0005579, OMIM 600669.

Allele frequency attached by ClinVar (database versions not stated): gnomAD exomes below 0.00001; ExAC 0.00001.
gnomAD v4.1: 2 of 1,612,510 alleles (0.00012%); highest among the groups gnomAD compares: South Asian, 0.0022%; no homozygotes.

Submission:

Labcorp Genetics (formerly Invitae), Labcorp
Classification: Uncertain significance for Idiopathic generalized epilepsy; Hyperaldosteronism, familial, type IV. Last evaluated: 2024-01-31. Review status: criteria provided, single submitter. Criteria: Invitae Variant Classification Sherloc (09022015). Collection method: clinical testing. Allele origin: germline.
Comment: This sequence change replaces arginine, which is basic and polar, with glycine, which is neutral and non-polar, at codon 1465 of the CACNA1H protein (p.Arg1465Gly). This variant is present in population databases (rs762072176, gnomAD 0.003%). This variant has not been reported in the literature in individuals affected with CACNA1H-related conditions. Advanced modeling of protein sequence and biophysical properties (such as structural, functional, and spatial information, amino acid conservation, physicochemical variation, residue mobility, and thermodynamic stability) performed at Invitae indicates that this missense variant is not expected to disrupt CACNA1H protein function with a negative predictive value of 80%. In summary, the available evidence is currently insufficient to determine the role of this variant in disease. Therefore, it has been classified as a Variant of Uncertain Significance.